The following is an entry in ClinVar:

ClinVar aggregate classification (germline): Uncertain significance (1 of 4 stars; one submission).

Conditions:
MHC class II deficiency. Also called: Bare lymphocyte syndrome 2; BLS, TYPE II. Identifiers: Orphanet 572, MedGen C5447452, MONDO:0008855.

gnomAD v4.1: 7 of 1,610,346 alleles (0.00043%); highest among the groups gnomAD compares: African/African-American, 0.0027%; no homozygotes.

Submission:

Labcorp Genetics (formerly Invitae), Labcorp
Classification: Uncertain significance for MHC class II deficiency. Last evaluated: 2022-05-15. Review status: criteria provided, single submitter. Criteria: Invitae Variant Classification Sherloc (09022015). Collection method: clinical testing. Allele origin: germline.
Comment: This sequence change replaces arginine, which is basic and polar, with glycine, which is neutral and non-polar, at codon 539 of the CIITA protein (p.Arg539Gly). This variant is present in population databases (no rsID available, gnomAD 0.009%). This variant has not been reported in the literature in individuals affected with CIITA-related conditions. Algorithms developed to predict the effect of missense changes on protein structure and function are either unavailable or do not agree on the potential impact of this missense change (SIFT: "Tolerated"; PolyPhen-2: "Possibly Damaging"; Align-GVGD: "Class C0"). In summary, the available evidence is currently insufficient to determine the role of this variant in disease. Therefore, it has been classified as a Variant of Uncertain Significance.

NM_000246.4(CIITA):c.1615C>G (p.Arg539Gly)

Gene: CIITA (class II major histocompatibility complex transactivator; plus strand). Cytogenetic location: 16p13.13.
Variant type: single nucleotide variant.
Coding change: c.1615C>G on transcript NM_000246.4 (MANE Select); coding-DNA position 1615, C replaced by G.
Protein change: p.Arg539Gly; replaces arginine 539 with glycine.
Molecular consequence: missense variant. On other transcripts: intron variant (1).
Genome position (GRCh38, 1-based): chr16:10,907,107, C>G. VCF-style: chr16-10907107-C-G. GRCh37 (hg19) VCF-style: chr16-11000964-C-G.
Other names: c.1618C>G, p.Arg540Gly (NM_001286402.1, NM_001379332.1); c.1471C>G, p.Arg491Gly (NM_001379330.1); c.1468C>G, p.Arg490Gly (NM_001379331.1); c.1615C>G, p.Arg539Gly (NM_001379333.1); c.1546C>G, p.Arg516Gly (NM_001379334.1); c.860-1876C>G (NM_001286403.2); short protein forms R491G, R540G, R490G, R516G, R539G.
Identifiers: ClinVar variation 2179076 (VCV002179076.1), dbSNP rs751733167, ClinGen allele CA394731240.
Genomic context (GRCh38, chr16:10,907,107, plus strand): 5'-CCGGCGGAGCCCTGCTCCCTCCGGGGGCTGCTGGCCGGCCTTTTCCAGAAGAAGCTGCTC[C>G]GAGGTTGCACCCTCCTCCTCACAGCCCGGCCCCGGGGCCGCCTGGTCCAGAGCCTGAGCA-3'
Protein context (NP_000237.2, residues 529-549): LAGLFQKKLL[Arg539Gly]GCTLLLTARP